The following is an entry in ClinVar:

NM_014263.4(YME1L1):c.308A>T (p.Gln103Leu)

Gene: YME1L1 (YME1 like 1 ATPase; minus strand). Cytogenetic location: 10p12.1.
Variant type: single nucleotide variant.
Coding change: c.308A>T on transcript NM_014263.4 (MANE Select); coding-DNA position 308, A replaced by T.
Protein change: p.Gln103Leu; replaces glutamine 103 with leucine.
Molecular consequence: missense variant.
Genome position (GRCh38, 1-based): chr10:27,145,451, T>A on the plus strand (A>T on the coding strand, the complement: YME1L1 is on the minus strand). VCF-style: chr10-27145451-T-A. GRCh37 (hg19) VCF-style: chr10-27434380-T-A.
Other names: c.308A>T, p.Gln103Leu (NM_001253866.2); c.479A>T, p.Gln160Leu (NM_139312.3); c.308A>T (NM_014263.3); short protein forms Q160L, Q103L.
Identifiers: ClinVar variation 722346 (VCV000722346.11), dbSNP rs187142528, ClinGen allele CA5449646.
Genomic context (GRCh38, chr10:27,145,451, plus strand): 5'-AAAATATTTAATTGGAACAAAAAACACATTAACATACCATATTTATTTTCAAAGAAGGAT[T>A]GTGCAGAGACATGGGATGTATGCCAATGGGAAGAAATGTTTTTGCCTTTACAAAATCCAG-3'
Protein context (NP_055078.1, residues 93-113): SHWHTSHVSA[Gln103Leu]SFFENKYGNL

ClinVar aggregate classification (germline): Conflicting classifications of pathogenicity. Review status: criteria provided, conflicting classifications (1 of 4 stars). 3 submissions from 3 submitters: Uncertain significance (1); Likely benign (2). Last evaluated 2025-12-30.

Conditions:
YME1L1-related disorder. Also called: YME1L1-related condition.

Allele frequency attached by ClinVar (database versions not stated): gnomAD exomes 0.00010 and 0.00034; gnomAD 0.00015 and 0.00019; TOPMed 0.00021; ExAC 0.00038; 1000 Genomes Project 30x 0.00078; 1000 Genomes Project 0.00100.
gnomAD v4.1: 206 of 1,608,604 alleles (0.013%); highest among the groups gnomAD compares: East Asian, 0.35%; no homozygotes.

Submissions (3):

PreventionGenetics, part of Exact Sciences
Classification: Likely benign for YME1L1-related condition. Last evaluated: 2025-12-30. Review status: criteria provided, single submitter. Criteria: ACMG Guidelines, 2015. Collection method: clinical testing. Allele origin: germline.
Comment: This variant is classified as likely benign based on ACMG/AMP sequence variant interpretation guidelines (Richards et al. 2015 PMID: 25741868, with internal and published modifications).

Labcorp Genetics (formerly Invitae), Labcorp
Classification: Likely benign. Last evaluated: 2025-07-29. Review status: criteria provided, single submitter. Criteria: Invitae Variant Classification Sherloc (09022015). Collection method: clinical testing. Allele origin: germline.

Blueprint Genetics
Classification: Uncertain significance. Last evaluated: 2024-11-06. Review status: criteria provided, single submitter. Criteria: ACMG Guidelines, 2015. Collection method: clinical testing. Allele origin: germline.